The following is an entry in ClinVar:

ClinVar aggregate classification (germline): Uncertain significance (1 of 4 stars; one submission).

Conditions:
Symmetrical dyschromatosis of extremities (DSH). Also called: DYSCHROMATOSIS SYMMETRICA HEREDITARIA 1; RETICULATE ACROPIGMENTATION OF DOHI; SYMMETRIC DYSCHROMATOSIS OF THE EXTREMITIES; Dyschromatosis symmetrica hereditaria. Identifiers: Orphanet 41, MedGen C0406775, MONDO:0007483, OMIM 127400.
Aicardi-Goutieres syndrome 6 (AGS6). Identifiers: Orphanet 51, MedGen C3539013, MONDO:0014007, OMIM 615010.

Submission:

Labcorp Genetics (formerly Invitae), Labcorp
Classification: Uncertain significance for Aicardi-Goutieres syndrome 6; Symmetrical dyschromatosis of extremities. Last evaluated: 2026-01-21. Review status: criteria provided, single submitter. Criteria: Invitae Variant Classification Sherloc (09022015). Collection method: clinical testing. Allele origin: germline.
Comment: This sequence change replaces threonine, which is neutral and polar, with alanine, which is neutral and non-polar, at codon 832 of the ADAR protein (p.Thr832Ala). This variant is not present in population databases (gnomAD no frequency). This variant has not been reported in the literature in individuals affected with ADAR-related conditions. An algorithm developed to predict the effect of missense changes on protein structure and function (PolyPhen-2) suggests that this variant is likely to be tolerated. In summary, the available evidence is currently insufficient to determine the role of this variant in disease. Therefore, it has been classified as a Variant of Uncertain Significance.

NM_001111.5(ADAR):c.2494A>G (p.Thr832Ala)

Gene: ADAR (adenosine deaminase RNA specific; minus strand). Cytogenetic location: 1q21.3.
Variant type: single nucleotide variant.
Coding change: c.2494A>G on transcript NM_001111.5 (MANE Select); coding-DNA position 2494, A replaced by G.
Protein change: p.Thr832Ala; replaces threonine 832 with alanine.
Molecular consequence: missense variant. On other transcripts: intron variant (3).
Genome position (GRCh38, 1-based): chr1:154,590,186, T>C on the plus strand (A>G on the coding strand, the complement: ADAR is on the minus strand). VCF-style: chr1-154590186-T-C. GRCh37 (hg19) VCF-style: chr1-154562662-T-C.
Other names: c.1609A>G, p.Thr537Ala (NM_001025107.3, NM_001193495.2, NM_001365046.1 and 2 more transcripts); c.2521A>G, p.Thr841Ala (NM_001365045.1); c.1533+76A>G (NM_001365049.1); c.2361+76A>G (NM_015841.4); c.2418+76A>G (NM_015840.4); short protein forms T537A, T841A, T832A.
Identifiers: ClinVar variation 4787331 (VCV004787331.1).